The following is an entry in ClinVar:

NM_004525.3(LRP2):c.11605G>A (p.Asp3869Asn)

Gene: LRP2 (LDL receptor related protein 2; minus strand). Cytogenetic location: 2q31.1.
Variant type: single nucleotide variant.
Coding change: c.11605G>A on transcript NM_004525.3 (MANE Select); coding-DNA position 11605, G replaced by A.
Protein change: p.Asp3869Asn; replaces aspartic acid 3869 with asparagine.
Molecular consequence: missense variant.
Genome position (GRCh38, 1-based): chr2:169,168,569, C>T on the plus strand (G>A on the coding strand, the complement: LRP2 is on the minus strand). VCF-style: chr2-169168569-C-T. GRCh37 (hg19) VCF-style: chr2-170025079-C-T.
Other names: short protein forms D3869N.
Identifiers: ClinVar variation 1446384 (VCV001446384.5), dbSNP rs766415685, ClinGen allele CA1953018.

ClinVar aggregate classification (germline): Uncertain significance. Review status: criteria provided, multiple submitters, no conflicts (2 of 4 stars). 3 submissions from 3 submitters: Uncertain significance (3). Last evaluated 2024-10-01.

Conditions:
Donnai-Barrow syndrome. Also called: DBS/FOAR SYNDROME; FACIOOCULOACOUSTICORENAL SYNDROME. Identifiers: Orphanet 2143, MedGen C1857277, MONDO:0009104, OMIM 222448.

Allele frequency attached by ClinVar (database versions not stated): TOPMed 0.00002; gnomAD 0.00003; gnomAD exomes 0.00003 and 0.00005; ExAC 0.00004.
gnomAD v4.1: 82 of 1,614,036 alleles (0.0051%); highest among the groups gnomAD compares: Non-Finnish European, 0.0064%; no homozygotes.

Submissions (3):

Blueprint Genetics
Classification: Uncertain significance. Last evaluated: 2024-10-01. Review status: criteria provided, single submitter. Criteria: ACMG Guidelines, 2015. Collection method: clinical testing. Allele origin: germline.

Labcorp Genetics (formerly Invitae), Labcorp
Classification: Uncertain significance. Last evaluated: 2022-08-16. Review status: criteria provided, single submitter. Criteria: Invitae Variant Classification Sherloc (09022015). Collection method: clinical testing. Allele origin: germline.
Comment: This sequence change replaces aspartic acid, which is acidic and polar, with asparagine, which is neutral and polar, at codon 3869 of the LRP2 protein (p.Asp3869Asn). This variant is present in population databases (rs766415685, gnomAD 0.005%). This variant has not been reported in the literature in individuals affected with LRP2-related conditions. ClinVar contains an entry for this variant (Variation ID: 1446384). Advanced modeling of protein sequence and biophysical properties (such as structural, functional, and spatial information, amino acid conservation, physicochemical variation, residue mobility, and thermodynamic stability) performed at Invitae indicates that this missense variant is expected to disrupt LRP2 protein function. In summary, the available evidence is currently insufficient to determine the role of this variant in disease. Therefore, it has been classified as a Variant of Uncertain Significance.

Fulgent Genetics
Classification: Uncertain significance for Donnai-Barrow syndrome. Last evaluated: 2022-03-14. Review status: criteria provided, single submitter. Criteria: ACMG Guidelines, 2015. Collection method: clinical testing. Allele origin: unknown.